The following is an entry in ClinVar:

ClinVar aggregate classification (germline): Benign/Likely benign. Review status: criteria provided, multiple submitters, no conflicts (2 of 4 stars). 5 submissions from 5 submitters: Benign (2); Likely benign (3). Last evaluated 2026-02-01.

Conditions:
Autoinflammatory syndrome. Identifiers: Orphanet 93665, MedGen C3890737, MONDO:0019751.
Periodic fever-infantile enterocolitis-autoinflammatory syndrome. Also called: Autoinflammation with infantile enterocolitis. Identifiers: Orphanet 436166, MedGen C4015067, MONDO:0014472, OMIM 616050.
Familial cold autoinflammatory syndrome 4 (FCAS4). Identifiers: Orphanet 47045, Orphanet 576349, MedGen C4015276, MONDO:0014498, OMIM 616115.

Allele frequency attached by ClinVar (database versions not stated): gnomAD exomes 0.00012 and 0.00024; ExAC 0.00032; gnomAD 0.00056; TOPMed 0.00061; ESP Exome Variant Server 0.00092; 1000 Genomes Project 0.00140; 1000 Genomes Project 30x 0.00156.
gnomAD v4.1: 270 of 1,614,036 alleles (0.017%); highest among the groups gnomAD compares: African/African-American, 0.23%; 2 homozygotes.

Submissions (5):

Labcorp Genetics (formerly Invitae), Labcorp
Classification: Benign for Periodic fever-infantile enterocolitis-autoinflammatory syndrome; Familial cold autoinflammatory syndrome 4. Last evaluated: 2026-02-01. Review status: criteria provided, single submitter. Criteria: Invitae Variant Classification Sherloc (09022015). Collection method: clinical testing. Allele origin: germline.

Women's Health and Genetics/Laboratory Corporation of America, LabCorp
Classification: Benign. Last evaluated: 2025-06-16. Review status: criteria provided, single submitter. Criteria: LabCorp Variant Classification Summary - May 2015. Collection method: clinical testing. Allele origin: germline.

Blueprint Genetics
Classification: Likely benign. Last evaluated: 2024-11-25. Review status: criteria provided, single submitter. Criteria: ACMG Guidelines, 2015. Collection method: clinical testing. Allele origin: germline.

CeGaT Center for Human Genetics Tuebingen
Classification: Likely benign. Last evaluated: 2024-10-01. Review status: criteria provided, single submitter. Criteria: CeGaT Center For Human Genetics Tuebingen Variant Classification Criteria Version 2. Collection method: clinical testing. Allele origin: germline. Affected: yes. Observed: 2 variant alleles.
Comment: NLRC4: BP4, BP7

Genome Diagnostics Laboratory, The Hospital for Sick Children
Classification: Likely benign for Autoinflammatory syndrome. Last evaluated: 2021-08-11. Review status: criteria provided, single submitter. Criteria: ACMG Guidelines, 2015. Collection method: clinical testing. Allele origin: germline. Affected: yes.

NM_001199138.2(NLRC4):c.2727C>T (p.Leu909=)

Gene: NLRC4 (NLR family CARD domain containing 4; minus strand). Cytogenetic location: 2p22.3.
Variant type: single nucleotide variant.
Coding change: c.2727C>T on transcript NM_001199138.2 (MANE Select); coding-DNA position 2727, C replaced by T.
Protein change: p.Leu909=; no amino-acid change (leucine 909 retained).
Molecular consequence: synonymous variant.
Genome position (GRCh38, 1-based): chr2:32,235,456, G>A on the plus strand (C>T on the coding strand, the complement: NLRC4 is on the minus strand). VCF-style: chr2-32235456-G-A. GRCh37 (hg19) VCF-style: chr2-32460525-G-A.
Other names: c.2727C>T, p.Leu909= (NM_001199139.2, NM_021209.5); c.732C>T, p.Leu244= (NM_001302504.2).
Identifiers: ClinVar variation 542047 (VCV000542047.45), dbSNP rs147980356, ClinGen allele CA1601720.